The following is an entry in ClinVar:

ClinVar aggregate classification (germline): Likely pathogenic (1 of 4 stars; one submission).

Conditions:
Bardet-Biedl syndrome 1 (BBS1). Identifiers: MedGen C2936862, MONDO:0008854, OMIM 209900. Disease mechanism: loss of function.

Submission:

Advanced Center For Translational And Genetic Medicine, Ann & Robert H. Lurie Children's Hospital Of Chicago
Classification: Likely pathogenic for Bardet-Biedl syndrome 1. Last evaluated: 2024-07-29. Review status: criteria provided, single submitter. Criteria: ACMG Guidelines, 2015. Collection method: research. Allele origin: paternal. Affected: yes. Observed: 1 compound heterozygote.
Comment: Null (frameshift) variant in a gene where (LOF) is a known mechanism of disease (PVS1), absent from gnomAD v4.1.0 (PM2), Multiple computational tools support deleterious effect, CADD=34 and Mutation Taster predicts Disease Causing (PP3)

NM_024899.4(CEP76):c.83_84insG (p.Ile28fs)

Genes: CEP76 (centrosomal protein 76; minus strand), PSMG2 (proteasome assembly chaperone 2; plus strand). Cytogenetic location: 18p11.21.
Variant type: Insertion.
Coding change: c.83_84insG on transcript NM_024899.4 (MANE Select); coding-DNA positions 83 to 84, G inserted.
Protein change: p.Ile28fs; shifts the reading frame from isoleucine 28.
Molecular consequence: frameshift variant. On other transcripts: non-coding transcript variant (1), intron variant (1).
Genome position: GRCh38 VCF-style: chr18-12701093-T-TC. GRCh37 (hg19) VCF-style: chr18-12701092-T-TC.
Other names: c.83_84insG, p.Ile28fs (NM_001271989.2); c.-36-5457_-36-5456insC (NM_147163.2); short protein forms I28fs.
Identifiers: ClinVar variation 4075826 (VCV004075826.1).